The following is an entry in ClinVar:

ClinVar aggregate classification (germline): Likely pathogenic (1 of 4 stars; one submission).

Submission:

GeneDx
Classification: Likely pathogenic. Last evaluated: 2026-03-12. Review status: criteria provided, single submitter. Criteria: GeneDx Variant Classification Process June 2021. Collection method: clinical testing. Allele origin: germline.
Comment: Not observed at significant frequency in large population cohorts (gnomAD); In silico analysis supports a deleterious effect on splicing; Has not been previously published as pathogenic or benign to our knowledge

NM_021005.4(NR2F2):c.441A>G (p.Glu147=)

Gene: NR2F2 (nuclear receptor subfamily 2 group F member 2; plus strand). Cytogenetic location: 15q26.2.
Variant type: single nucleotide variant.
Coding change: c.441A>G on transcript NM_021005.4 (MANE Select); coding-DNA position 441, A replaced by G.
Protein change: p.Glu147=; no amino-acid change (glutamic acid 147 retained).
Molecular consequence: synonymous variant. On other transcripts: intron variant (1).
Genome position (GRCh38, 1-based): chr15:96,332,546, A>G. VCF-style: chr15-96332546-A-G. GRCh37 (hg19) VCF-style: chr15-96875775-A-G.
Other names: c.44-1530A>G (NM_001145155.2).
Identifiers: ClinVar variation 4891445 (VCV004891445.1).